The following is an entry in ClinVar:

ClinVar aggregate classification (germline): Benign/Likely benign. Review status: criteria provided, multiple submitters, no conflicts (2 of 4 stars). 4 submissions from 4 submitters: Benign (1); Likely benign (2). 1 of the submissions does not count toward it. Last evaluated 2026-01-26.

Conditions:
PRKCSH-related disorder. Also called: PRKCSH-related condition.

Allele frequency attached by ClinVar (database versions not stated): gnomAD exomes 0.00011 and 0.00024; ExAC 0.00027; gnomAD 0.00090 and 0.00096; 1000 Genomes Project 30x 0.00094; 1000 Genomes Project 0.00100; ESP Exome Variant Server 0.00108; TOPMed 0.00115.
gnomAD v4.1: 313 of 1,613,970 alleles (0.019%); highest among the groups gnomAD compares: African/African-American, 0.32%; 2 homozygotes.

Submissions (4):

Labcorp Genetics (formerly Invitae), Labcorp
Classification: Benign. Last evaluated: 2026-01-26. Review status: criteria provided, single submitter. Criteria: Invitae Variant Classification Sherloc (09022015). Collection method: clinical testing. Allele origin: germline.

Mayo Clinic Laboratories, Mayo Clinic
Classification: Likely benign. Last evaluated: 2024-10-05. Review status: criteria provided, single submitter. Criteria: ACMG Guidelines, 2015. Collection method: clinical testing. Allele origin: germline. Observed: 2 variant alleles.
Comment: BP4, BP7

Blueprint Genetics
Classification: Likely benign. Last evaluated: 2024-03-06. Review status: criteria provided, single submitter. Criteria: ACMG Guidelines, 2015. Collection method: clinical testing. Allele origin: germline.

PreventionGenetics, part of Exact Sciences
Classification: Likely benign for PRKCSH-related condition. Last evaluated: 2019-02-21. Review status: no assertion criteria provided. Collection method: clinical testing. Allele origin: germline. Not counted in ClinVar's aggregate classification.
Comment: This variant is classified as likely benign based on ACMG/AMP sequence variant interpretation guidelines (Richards et al. 2015 PMID: 25741868, with internal and published modifications).

NM_001289104.2(PRKCSH):c.822C>T (p.Ala274=)

Gene: PRKCSH (PRKCSH beta subunit of glucosidase II; plus strand). Cytogenetic location: 19p13.2.
Variant type: single nucleotide variant.
Coding change: c.822C>T on transcript NM_001289104.2 (MANE Select); coding-DNA position 822, C replaced by T.
Protein change: p.Ala274=; no amino-acid change (alanine 274 retained).
Molecular consequence: synonymous variant.
Genome position (GRCh38, 1-based): chr19:11,447,133, C>T. VCF-style: chr19-11447133-C-T. GRCh37 (hg19) VCF-style: chr19-11557948-C-T.
Other names: p.Ala274=; c.822C>T, p.Ala274= (NM_001001329.3, NM_001289102.2, NM_001289103.2 and 3 more transcripts).
Identifiers: ClinVar variation 736306 (VCV000736306.13), dbSNP rs112495629, ClinGen allele CA9213011.
Genomic context (GRCh38, chr19:11,447,133, plus strand): 5'-GGCCCTCCTCAGTGGGGACACACAGACAGACGCCACCTCTTTCTACGACCGCGTCTGGGC[C>T]GCCATCAGGGACAAGTACCGGTCCGAGGTCAGTGGAGGAGAAGGGAGGGGACTTGGTCCT-3'
Protein context (NP_001276033.1, residues 264-284): DATSFYDRVW[Ala274=]AIRDKYRSEA